The following is an entry in ClinVar:

ClinVar aggregate classification (germline): Conflicting classifications of pathogenicity. Review status: criteria provided, conflicting classifications (1 of 4 stars). 6 submissions from 6 submitters: Uncertain significance (4); Likely benign (2). Last evaluated 2025-06-11.

Conditions:
Hereditary cancer-predisposing syndrome. Also called: Hereditary Cancer Syndrome; Tumor predisposition; Neoplastic Syndromes, Hereditary; Hereditary neoplastic syndrome. Identifiers: Orphanet 140162, MedGen C0027672, MeSH D009386, MONDO:0015356.
Peutz-Jeghers syndrome (PJS). Also called: POLYPOSIS, HAMARTOMATOUS INTESTINAL; POLYPS-AND-SPOTS SYNDROME; Peutz-Jeghers polyposis; Periorificial lentiginosis syndrome. Identifiers: Orphanet 2869, MedGen C0031269, MeSH D010580, MONDO:0008280, OMIM 175200.

Allele frequency attached by ClinVar (database versions not stated): gnomAD 0.00001; gnomAD exomes 0.00001.
gnomAD v4.1: 14 of 1,569,794 alleles (0.00089%); highest among the groups gnomAD compares: African/African-American, 0.0027%; no homozygotes.

Submissions (6):

Labcorp Genetics (formerly Invitae), Labcorp
Classification: Likely benign for Peutz-Jeghers syndrome. Last evaluated: 2025-06-11. Review status: criteria provided, single submitter. Criteria: Invitae Variant Classification Sherloc (09022015). Collection method: clinical testing. Allele origin: germline.

All of Us Research Program, National Institutes of Health
Classification: Uncertain significance for Peutz-Jeghers syndrome. Last evaluated: 2023-08-15. Review status: criteria provided, single submitter. Criteria: ACMG Guidelines, 2015. Collection method: clinical testing. Allele origin: germline. Inheritance: Autosomal dominant inheritance. Observed: 1 variant allele, 1 heterozygote.
Comment: This study involves interpretation of variants in research participants for the purpose of population health screening. Participant phenotype was not available at the time of variant classification. Additional details can be found in publication PMID: 35346344, PMCID: PMC8962531

Ambry Genetics
Classification: Likely benign for Hereditary cancer-predisposing syndrome. Last evaluated: 2023-03-21. Review status: criteria provided, single submitter. Criteria: Ambry Variant Classification Scheme 2023. Collection method: clinical testing. Allele origin: germline.

Genome-Nilou Lab
Classification: Uncertain significance for Peutz-Jeghers syndrome. Last evaluated: 2021-07-15. Review status: criteria provided, single submitter. Criteria: ACMG Guidelines, 2015. Collection method: clinical testing. Allele origin: germline. Affected: no.

GeneDx
Classification: Uncertain significance. Last evaluated: 2021-06-28. Review status: criteria provided, single submitter. Criteria: GeneDx Variant Classification Process June 2021. Collection method: clinical testing. Allele origin: germline. Affected: yes.
Comment: Not observed at significant frequency in large population cohorts (Lek 2016); In silico analysis supports that this missense variant does not alter protein structure/function; In silico analysis suggests this variant may impact gene splicing. In the absence of RNA/functional studies, the actual effect of this sequence change is unknown.; Has not been previously published as pathogenic or benign to our knowledge; This variant is associated with the following publications: (PMID: 27535533)

Quest Diagnostics Nichols Institute San Juan Capistrano
Classification: Uncertain significance. Last evaluated: 2020-07-24. Review status: criteria provided, single submitter. Criteria: Quest Diagnostics criteria. Collection method: clinical testing. Allele origin: unknown.

NM_000455.5(STK11):c.1247A>G (p.Lys416Arg)

Gene: STK11 (serine/threonine kinase 11; plus strand). Cytogenetic location: 19p13.3.
Variant type: single nucleotide variant.
Coding change: c.1247A>G on transcript NM_000455.5 (MANE Select); coding-DNA position 1247, A replaced by G.
Protein change: p.Lys416Arg; replaces lysine 416 with arginine.
Molecular consequence: missense variant.
Genome position (GRCh38, 1-based): chr19:1,226,592, A>G. VCF-style: chr19-1226592-A-G. GRCh37 (hg19) VCF-style: chr19-1226591-A-G.
Other names: short protein forms K416R.
Identifiers: ClinVar variation 649534 (VCV000649534.19), dbSNP rs1446554442, ClinGen allele CA402953997.